The following is an entry in ClinVar:

ClinVar aggregate classification (germline): Pathogenic/Likely pathogenic. Review status: criteria provided, multiple submitters, no conflicts (2 of 4 stars). 13 submissions from 13 submitters: Pathogenic (10); Likely pathogenic (2). 1 of the submissions does not count toward it. Last evaluated 2026-09-01.

Conditions:
Familial cystic renal disease. Identifiers: Orphanet 93587, MedGen C5680285, MONDO:0019741.
ALG8-related disorder.
Polycystic liver disease 3 with or without kidney cysts. Identifiers: MedGen C4693472, MONDO:0054743, OMIM 617874.
ALG8 congenital disorder of glycosylation. Also called: CDG Ih; ALG8-CDG; CONGENITAL DISORDER OF GLYCOSYLATION, TYPE Ih. Identifiers: Orphanet 79325, MedGen C2931002, MONDO:0011969, OMIM 608104.

Allele frequency attached by ClinVar (database versions not stated): ExAC 0.00002; gnomAD exomes 0.00002; gnomAD 0.00003; TOPMed 0.00003.

Submissions (13):

CeGaT Center for Human Genetics Tuebingen
Classification: Pathogenic. Last evaluated: 2026-09-01. Review status: criteria provided, single submitter. Criteria: CeGaT Center For Human Genetics Tuebingen Variant Classification Criteria Version 2. Collection method: clinical testing. Allele origin: germline. Affected: yes. Observed: 1 variant allele.
Comment: ALG8: PVS1, PS4:Moderate

PreventionGenetics, part of Exact Sciences
Classification: Pathogenic for ALG8-related condition. Last evaluated: 2026-05-12. Review status: criteria provided, single submitter. Criteria: ACMG Guidelines, 2015. Collection method: clinical testing. Allele origin: germline.
Comment: The ALG8 c.535C>T variant is predicted to result in premature protein termination (p.Arg179*). This variant was first reported in the heterozygous state in a polycystic liver disease (PLD) patient who also had kidney cysts (Besse et al. 2017. PubMed ID: 28375157). In a later study assessing the relationship between truncating ALG8 variants and polycystic kidney disease (PKD), individuals who were heterozygous for ALG8 pathogenic or likely pathogenic variants, including this variant, were shown to have increased risk of a mild (atypical) cystic kidney disease phenotype on imaging (Apple et al. 2023. PubMed ID: 36574950). This variant is reported in 7 of 282,326 alleles in the gnomAD (v2.1.1) database. Of note, loss-of-function variants in ALG8 have been well-documented to be pathogenic for autosomal recessive congenital disorder of glycosylation and heterozygous protein truncating variants (PTV) in this gene have been validated as "definitive" to be associated with autosomal dominant polycystic liver disease (ADPLD) with or without kidney cysts by the ClinGen Kidney Cystic and Ciliopathy Disorders Gene Curation Expert Panel, but low penetrance has also been observed. This variant is interpreted as pathogenic for both autosomal recessive congenital disorder of glycosylation and autosomal dominant polycystic liver disease (ADPLD) with or without kidney cysts.

Dasa
Classification: Pathogenic. Last evaluated: 2026-01-02. Review status: criteria provided, single submitter. Criteria: DASA Assertion Criteria. Collection method: clinical testing. Allele origin: germline.
Comment: NM_024079.5(ALG8):c.535C>T (p.Arg179*) introduces a premature termination codon predicted to result in loss of normal protein function. Loss-of-function is an established mechanism of disease for this gene. Segregation evidence has been reported in affected families. This variant has been recurrently observed in individuals with related phenotype (PMID: 36574950; PMID: 28375157). The variant is present at low frequency in population datasets. Based on the available data, this variant is classified as pathogenic.

Victorian Clinical Genetics Services, Murdoch Childrens Research Institute
Classification: Pathogenic for Polycystic liver disease 3 with or without kidney cysts. Last evaluated: 2025-12-04. Review status: criteria provided, single submitter. Criteria: ACMG Guidelines, 2015. Collection method: clinical testing. Allele origin: germline. Affected: yes.
Comment: This variant is classified as Pathogenic. Evidence in support of pathogenic classification: Variant is predicted to cause nonsense-mediated decay (NMD) and loss of protein (premature termination codon is located at least 54 nucleotides upstream of the final exon-exon junction); Variant is present in gnomAD <0.01 (v4: 57 heterozygote(s), 0 homozygote(s)); This variant has strong previous evidence of pathogenicity in unrelated individuals. This variant has been classified three times as pathogenic, and twice as likely pathogenic by clinical laboratories in ClinVar; Other NMD-predicted variants comparable to the one identified in this case have very strong previous evidence for pathogenicity (DECIPHER). Additional information: This variant is heterozygous; This gene is associated with both recessive and dominant disease, where the same variants have been reported to cause both conditions (PMIDs: 28375157, 26066342); Loss of function is a known mechanism of disease in this gene and is associated with congenital disorder of glycosylation, type Ih (MIM#608104) and polycystic liver disease 3 with or without kidney cysts (MIM#617874); Variants in this gene are known to have variable expressivity (OMIM).

Mayo Clinic Laboratories, Mayo Clinic
Classification: Pathogenic. Last evaluated: 2025-06-16. Review status: criteria provided, single submitter. Criteria: ACMG Guidelines, 2015. Collection method: clinical testing. Allele origin: germline. Observed: 2 variant alleles.
Comment: PP2, PVS1

Mayo Translational Polycystic Kidney Disease Center, Mayo Clinic
Classification: Pathogenic for Familial cystic renal disease. Last evaluated: 2025-06-01. Review status: criteria provided, single submitter. Criteria: ACMG Guidelines, 2015. Collection method: research. Allele origin: germline. Inheritance: Autosomal dominant inheritance. Affected: yes.
Comment: The c.535C>T variant results in a premature stop codon at position 179 (p.Arg179Ter) in the ALG8 gene.This nonsense mutation is predicted to cause loss of normal protein function either through truncated protein product, fulfilling the PVS1 criterion. The variant is extremely rare, with an allele frequency of <0.01% in gnomAD v4.1.0, supporting PM2. Clinically, it has been identified in four unrelated individuals with combined polycystic liver and kidney disease, a phenotype consistent with ALG8-related disease, providing evidence for PP4 (Jawaid, 2025). Given the nature of the mutation, its rarity in population databases, and its consistent presence in affected individuals, the variant is classified as pathogenic.

GeneDx
Classification: Pathogenic. Last evaluated: 2025-01-15. Review status: criteria provided, single submitter. Criteria: GeneDx Variant Classification Process June 2021. Collection method: clinical testing. Allele origin: germline. Affected: yes.
Comment: Nonsense variant predicted to result in protein truncation or nonsense mediated decay in a gene for which loss of function is a known mechanism of disease; Not observed at significant frequency in large population cohorts (gnomAD); This variant is associated with the following publications: (PMID: 31589614, 36574950, 28375157)

Labcorp Genetics (formerly Invitae), Labcorp
Classification: Pathogenic for ALG8 congenital disorder of glycosylation. Last evaluated: 2024-01-30. Review status: criteria provided, single submitter. Criteria: Invitae Variant Classification Sherloc (09022015). Collection method: clinical testing. Allele origin: germline.
Comment: This sequence change creates a premature translational stop signal (p.Arg179*) in the ALG8 gene. It is expected to result in an absent or disrupted protein product. Loss-of-function variants in ALG8 are known to be pathogenic (PMID: 19862844). This variant is present in population databases (rs762811727, gnomAD 0.004%). This premature translational stop signal has been observed in individual(s) with kidney and/or liver cysts (PMID: 28375157, 36574950). ClinVar contains an entry for this variant (Variation ID: 492977). For these reasons, this variant has been classified as Pathogenic.

Greenwood Genetic Center Diagnostic Laboratories, Greenwood Genetic Center
Classification: Likely pathogenic for ALG8-related disorder. Last evaluated: 2023-12-22. Review status: criteria provided, single submitter. Criteria: ACMG Guidelines, 2015. Collection method: clinical testing. Allele origin: germline. Affected: yes.
Comment: PVS1, PS3_Moderate

Blueprint Genetics
Classification: Likely pathogenic for ALG8-related disorders. Last evaluated: 2023-12-06. Review status: criteria provided, single submitter. Criteria: ACMG Guidelines, 2015. Collection method: clinical testing. Allele origin: germline. Affected: yes. Observed: 5 variant alleles.

Fulgent Genetics
Classification: Pathogenic for ALG8 congenital disorder of glycosylation; Polycystic liver disease 3 with or without kidney cysts. Last evaluated: 2022-04-20. Review status: criteria provided, single submitter. Criteria: ACMG Guidelines, 2015. Collection method: clinical testing. Allele origin: unknown.

Neuberg Centre For Genomic Medicine, NCGM
Classification: Pathogenic for Polycystic liver disease 3 with or without kidney cysts. Review status: criteria provided, single submitter. Criteria: ACMG Guidelines, 2015. Collection method: clinical testing. Allele origin: germline. Affected: yes.
Comment: The stop gained p.R179* in ALG8 (NM_024079.5) has been previously reported in heterozygous state in patients with polycystic liver disease (Besse W et al,2017). It has been submitted to ClinVar as Pathogenic based on the same. The p.R179* variant is observed in 1/16,224 (0.0062%) alleles from individuals of African background in gnomAD Exomes and is novel (not in any individuals) in 1000 Genomes. This variant is predicted to cause loss of normal protein function through protein truncation. For these reasons, this variant has been classified as Pathogenic.

OMIM
Classification: Pathogenic for POLYCYSTIC LIVER DISEASE 3 WITH KIDNEY CYSTS. Last evaluated: 2018-02-21. Review status: flagged submission. Collection method: literature only. Allele origin: germline. Not counted in ClinVar's aggregate classification.
ClinVar note: Notes: Flagging candidate with reason of insufficient supporting evidence. This gene has been classified as having a limited gene-disease relationship by a ClinGen Expert Panel.
ClinVar note: Reason: Other

Literature cited by the submitters: PubMed 36574950 (cited by 3 submitters); PubMed 28375157 (cited by 5 submitters); PubMed 26066342 (cited by Victorian Clinical Genetics Services, Murdoch Childrens Research Institute); PubMed 39899384 (cited by Mayo Translational Polycystic Kidney Disease Center, Mayo Clinic); PubMed 19862844 (cited by Labcorp Genetics (formerly Invitae), Labcorp).

NM_024079.5(ALG8):c.535C>T (p.Arg179Ter)

Gene: ALG8 (ALG8 alpha-1,3-glucosyltransferase; minus strand). Cytogenetic location: 11q14.1.
Variant type: single nucleotide variant.
Coding change: c.535C>T on transcript NM_024079.5 (MANE Select); coding-DNA position 535, C replaced by T.
Protein change: p.Arg179Ter; replaces arginine 179 with a stop codon.
Molecular consequence: nonsense.
Genome position (GRCh38, 1-based): chr11:78,119,193, G>A on the plus strand (C>T on the coding strand, the complement: ALG8 is on the minus strand). VCF-style: chr11-78119193-G-A. GRCh37 (hg19) VCF-style: chr11-77830239-G-A.
Other names: p.Arg179*; c.535C>T, p.Arg179Ter (NM_001007027.3); short protein forms R179*.
Identifiers: ClinVar variation 492977 (VCV000492977.20), dbSNP rs762811727, ClinGen allele CA6203446.